The following is an entry in ClinVar:

ClinVar aggregate classification (germline): Uncertain significance (1 of 4 stars; one submission).

gnomAD v4.1: 9 of 1,549,490 alleles (0.00058%); highest among the groups gnomAD compares: South Asian, 0.0095%; 1 homozygote.

Submission:

Labcorp Genetics (formerly Invitae), Labcorp
Classification: Uncertain significance. Last evaluated: 2025-11-05. Review status: criteria provided, single submitter. Criteria: Invitae Variant Classification Sherloc (09022015). Collection method: clinical testing. Allele origin: germline.
Comment: This sequence change replaces histidine, which is basic and polar, with glutamine, which is neutral and polar, at codon 136 of the TCIRG1 protein (p.His136Gln). This variant is present in population databases (rs567920476, gnomAD 0.01%). This variant has not been reported in the literature in individuals affected with TCIRG1-related conditions. ClinVar contains an entry for this variant (Variation ID: 3703652). Invitae Evidence Modeling of protein sequence and biophysical properties (such as structural, functional, and spatial information, amino acid conservation, physicochemical variation, residue mobility, and thermodynamic stability) indicates that this missense variant is expected to disrupt TCIRG1 protein function with a positive predictive value of 80%. In summary, the available evidence is currently insufficient to determine the role of this variant in disease. Therefore, it has been classified as a Variant of Uncertain Significance.

NM_006019.4(TCIRG1):c.408T>A (p.His136Gln)

Gene: TCIRG1 (T cell immune regulator 1, ATPase H+ transporting V0 subunit a3; plus strand). Cytogenetic location: 11q13.2.
Variant type: single nucleotide variant.
Coding change: c.408T>A on transcript NM_006019.4 (MANE Select); coding-DNA position 408, T replaced by A.
Protein change: p.His136Gln; replaces histidine 136 with glutamine.
Molecular consequence: missense variant. On other transcripts: 5 prime UTR variant (1).
Genome position (GRCh38, 1-based): chr11:68,042,854, T>A. VCF-style: chr11-68042854-T-A. GRCh37 (hg19) VCF-style: chr11-67810321-T-A.
Other names: c.-842T>A (NM_001351059.2); short protein forms H136Q.
Identifiers: ClinVar variation 3703652 (VCV003703652.2).